The following is an entry in ClinVar:

ClinVar aggregate classification (germline): Uncertain significance. Review status: criteria provided, multiple submitters, no conflicts (2 of 4 stars). 2 submissions from 2 submitters: Uncertain significance (2). Last evaluated 2022-06-16.

Conditions:
Telangiectasia, hereditary hemorrhagic, type 5 (HHT5). Identifiers: Orphanet 774, MedGen C3809710, MONDO:0014217, OMIM 615506.

Allele frequency attached by ClinVar (database versions not stated): gnomAD 0.00001; TOPMed 0.00001; gnomAD exomes 0.00002.

Submissions (2):

Blueprint Genetics
Classification: Uncertain significance. Last evaluated: 2022-06-16. Review status: criteria provided, single submitter. Criteria: ACMG Guidelines, 2015. Collection method: clinical testing. Allele origin: germline.

Labcorp Genetics (formerly Invitae), Labcorp
Classification: Uncertain significance for Telangiectasia, hereditary hemorrhagic, type 5. Last evaluated: 2018-01-20. Review status: criteria provided, single submitter. Criteria: Invitae Variant Classification Sherloc (09022015). Collection method: clinical testing. Allele origin: germline.
Comment: This variant is not present in population databases (ExAC no frequency). This sequence change replaces arginine with cysteine at codon 213 of the GDF2 protein (p.Arg213Cys). The arginine residue is highly conserved and there is a large physicochemical difference between arginine and cysteine. This variant has not been reported in the literature in individuals with GDF2-related disease. In summary, the available evidence is currently insufficient to determine the role of this variant in disease. Therefore, it has been classified as a Variant of Uncertain Significance. Algorithms developed to predict the effect of missense changes on protein structure and function do not agree on the potential impact of this missense change (SIFT: "Tolerated"; PolyPhen-2: "Possibly Damaging"; Align-GVGD: "Class C0").

NM_016204.4(GDF2):c.637C>T (p.Arg213Cys)

Gene: GDF2 (growth differentiation factor 2; plus strand). Cytogenetic location: 10q11.22.
Variant type: single nucleotide variant.
Coding change: c.637C>T on transcript NM_016204.4 (MANE Select); coding-DNA position 637, C replaced by T.
Protein change: p.Arg213Cys; replaces arginine 213 with cysteine.
Molecular consequence: missense variant.
Genome position (GRCh38, 1-based): chr10:47,325,131, C>T. VCF-style: chr10-47325131-C-T. GRCh37 (hg19) VCF-style: chr10-48414231-G-A.
Other names: short protein forms R213C.
Identifiers: ClinVar variation 568587 (VCV000568587.9), dbSNP rs1555208917, ClinGen allele CA376655598.